The following is an entry in ClinVar:

NM_000329.3(RPE65):c.137G>A (p.Gly46Glu)

Gene: RPE65 (retinoid isomerohydrolase RPE65; minus strand). Cytogenetic location: 1p31.3.
Variant type: single nucleotide variant.
Coding change: c.137G>A on transcript NM_000329.3 (MANE Select); coding-DNA position 137, G replaced by A.
Protein change: p.Gly46Glu; replaces glycine 46 with glutamic acid.
Molecular consequence: missense variant. On other transcripts: 5 prime UTR variant (1), intron variant (1).
Genome position (GRCh38, 1-based): chr1:68,446,818, C>T on the plus strand (G>A on the coding strand, the complement: RPE65 is on the minus strand). VCF-style: chr1-68446818-C-T. GRCh37 (hg19) VCF-style: chr1-68912501-C-T.
Other names: NM_000329.3:c.137G>A; c.137G>A, p.Gly46Glu (NM_001406853.1, NM_001406859.1, NM_001406860.1); c.-140G>A (NM_001406857.1); c.-32+1806G>A (NM_001406856.1); short protein forms G46E.
Identifiers: ClinVar variation 4686555 (VCV004686555.1).

ClinVar aggregate classification (germline): Likely pathogenic (3 of 4 stars; one submission).

Conditions:
RPE65-related recessive retinopathy. Also called: Recessive RPE65 retinopathy. Identifiers: MedGen CN305526, MONDO:0100368.

Submission:

ClinGen Leber Congenital Amaurosis/early Onset Retinal Dystrophy Variant Curation Expert Panel, ClinGen
Classification: Likely pathogenic for RPE65-related recessive retinopathy. Last evaluated: 2026-01-15. Review status: reviewed by expert panel. Criteria: ClinGen LCAeoRD ACMG Specifications RPE65 V1.0.0. Collection method: curation. Allele origin: germline. Inheritance: Autosomal recessive inheritance.
Comment: NM_000329.3(RPE65):c.137G>A (p.Gly46Glu) is a missense variant that replaces the glycine at position p.46 with glutamic acid. This variant is absent from gnomAD v4.1.0 (PM2_Supporting). The computational predictor REVEL gives a score of 0.98, which is above the ClinGen LCA / eoRD VCEP threshold of ≥0.773 and predicts a damaging effect on RPE65 function (PP3_Moderate). This variant has been reported in 1 proband with early-onset severe retinal dystrophy who was compound heterozygous with the p.Arg91Gln variant confirmed in trans (PMIDs: 32865313, 30268864), which was previously classified pathogenic by the ClinGen LCA / eoRD VCEP (1 point). A second proband was compound heterozygous with the p.Tyr122Ter variant confirmed in trans (unpublished), which was previously classified likely pathogenic by the ClinGen LCA / eoRD VCEP (1 point). (2 total points, PM3_Strong.) The variant has also been reported to segregate with childhood-onset severe retinal dystrophy through the proband plus 1 similarly affected relative, with the variant present in the compound heterozygous state (PP1; PMID:32865313). In summary, this variant meets the criteria to be classified as Likely Pathogenic for RPE65-related recessive retinopathy based on the ACMG/AMP criteria applied, as specified by the ClinGen LCA/eoRD VCEP: PM2_Supporting, PP3_Moderate, PP1, and PM3_Strong. (VCEP specifications version 1.0.0; date of approval 09/21/2023).